The following is an entry in ClinVar:

NM_001127644.2(GABRA1):c.833C>T (p.Ser278Phe)

Gene: GABRA1 (gamma-aminobutyric acid type A receptor subunit alpha1; plus strand). Cytogenetic location: 5q34.
Variant type: single nucleotide variant.
Coding change: c.833C>T on transcript NM_001127644.2 (MANE Select); coding-DNA position 833, C replaced by T.
Protein change: p.Ser278Phe; replaces serine 278 with phenylalanine.
Molecular consequence: missense variant.
Genome position (GRCh38, 1-based): chr5:161,891,027, C>T. VCF-style: chr5-161891027-C-T. GRCh37 (hg19) VCF-style: chr5-161318033-C-T.
Other names: c.833C>T, p.Ser278Phe (NM_000806.5, NM_001127648.2, NM_001127643.2 and 1 more transcripts); short protein forms S278F.
Identifiers: ClinVar variation 2953731 (VCV002953731.3), dbSNP rs2532280605, ClinGen allele CA362180006.
Genomic context (GRCh38, chr5:161,891,027, plus strand): 5'-ACCTGCCATGCATAATGACAGTGATTCTCTCACAAGTCTCCTTCTGGCTCAACAGAGAGT[C>T]TGTACCAGCAAGAACTGTCTTTGGTAAGTCCCAATCAAGATACATACGCAAGGAAGGGTA-3'
Protein context (NP_001121116.1, residues 268-288): SQVSFWLNRE[Ser278Phe]VPARTVFGVT

ClinVar aggregate classification (germline): Uncertain significance (1 of 4 stars; one submission).

Conditions:
Idiopathic generalized epilepsy. Also called: EIG; Generalised epilepsy. Identifiers: MedGen C0270850, MONDO:0005579, OMIM 600669.
Epilepsy, idiopathic generalized, susceptibility to, 13. Also called: EPILEPSY, JUVENILE MYOCLONIC, SUSCEPTIBILITY TO, 5. Identifiers: Orphanet 307, Orphanet 64280, MedGen C4013473, MONDO:0012627, OMIM 611136.
Epilepsy, childhood absence 4 (ECA4). Also called: EPILEPSY, CHILDHOOD ABSENCE, SUSCEPTIBILITY TO, 4. Identifiers: Orphanet 307, MedGen C1970160.

Submission:

Labcorp Genetics (formerly Invitae), Labcorp
Classification: Uncertain significance for Epilepsy, childhood absence 4; Epilepsy, idiopathic generalized, susceptibility to, 13; Idiopathic generalized epilepsy. Last evaluated: 2023-11-10. Review status: criteria provided, single submitter. Criteria: Invitae Variant Classification Sherloc (09022015). Collection method: clinical testing. Allele origin: germline.
Comment: This sequence change replaces serine, which is neutral and polar, with phenylalanine, which is neutral and non-polar, at codon 278 of the GABRA1 protein (p.Ser278Phe). This variant is not present in population databases (gnomAD no frequency). This variant has not been reported in the literature in individuals affected with GABRA1-related conditions. Advanced modeling of protein sequence and biophysical properties (such as structural, functional, and spatial information, amino acid conservation, physicochemical variation, residue mobility, and thermodynamic stability) has been performed at Invitae for this missense variant, however the output from this modeling did not meet the statistical confidence thresholds required to predict the impact of this variant on GABRA1 protein function. In summary, the available evidence is currently insufficient to determine the role of this variant in disease. Therefore, it has been classified as a Variant of Uncertain Significance.